The following is an entry in ClinVar:

ClinVar aggregate classification (germline): Benign/Likely benign. Review status: criteria provided, multiple submitters, no conflicts (2 of 4 stars). 4 submissions from 4 submitters: Benign (1); Likely benign (3). Last evaluated 2025-02-03.

Conditions:
Hereditary cancer-predisposing syndrome. Also called: Neoplastic Syndromes, Hereditary; Tumor predisposition; Hereditary Cancer Syndrome; Hereditary neoplastic syndrome. Identifiers: Orphanet 140162, MedGen C0027672, MeSH D009386, MONDO:0015356.
Hereditary nonpolyposis colorectal neoplasms. Identifiers: MedGen C0009405, MeSH D003123.
Lynch syndrome 4 (LYNCH4). Also called: Colorectal cancer, hereditary nonpolyposis, type 4; Hereditary non-polyposis colorectal cancer, type 4. Identifiers: Orphanet 144, MedGen C1838333, MONDO:0013699, OMIM 614337. Disease mechanism: loss of function.

Allele frequency attached by ClinVar (database versions not stated): TOPMed below 0.00001; gnomAD 0.00001.

Submissions (4):

Myriad Genetics, Inc.
Classification: Benign for Lynch syndrome 4. Last evaluated: 2025-02-03. Review status: criteria provided, single submitter. Criteria: Myriad Autosomal Dominant, Autosomal Recessive and X-Linked Classification Criteria (2023). Collection method: clinical testing. Allele origin: unknown.
Comment: This variant is considered benign. This variant is a silent/synonymous amino acid change and it is not expected to impact splicing.

Labcorp Genetics (formerly Invitae), Labcorp
Classification: Likely benign for Hereditary nonpolyposis colorectal neoplasms. Last evaluated: 2021-10-06. Review status: criteria provided, single submitter. Criteria: Invitae Variant Classification Sherloc (09022015). Collection method: clinical testing. Allele origin: germline.

Color Diagnostics, LLC DBA Color Health
Classification: Likely benign for Hereditary cancer-predisposing syndrome. Last evaluated: 2020-01-27. Review status: criteria provided, single submitter. Criteria: ACMG Guidelines, 2015. Collection method: clinical testing. Allele origin: germline.

Ambry Genetics
Classification: Likely benign for Hereditary cancer-predisposing syndrome. Last evaluated: 2019-12-09. Review status: criteria provided, single submitter. Criteria: Ambry Variant Classification Scheme 2023. Collection method: clinical testing. Allele origin: germline.

NM_000535.7(PMS2):c.1962T>C (p.Pro654=)

Gene: PMS2 (PMS1 homolog 2, mismatch repair system component; minus strand). Cytogenetic location: 7p22.1.
Variant type: single nucleotide variant.
Coding change: c.1962T>C on transcript NM_000535.7 (MANE Select); coding-DNA position 1962, T replaced by C.
Protein change: p.Pro654=; no amino-acid change (proline 654 retained).
Molecular consequence: synonymous variant. On other transcripts: non-coding transcript variant (1).
Genome position (GRCh38, 1-based): chr7:5,986,803, A>G on the plus strand (T>C on the coding strand, the complement: PMS2 is on the minus strand). VCF-style: chr7-5986803-A-G. GRCh37 (hg19) VCF-style: chr7-6026434-A-G.
Other names: c.1557T>C, p.Pro519= (NM_001322003.2, NM_001322004.2, NM_001322005.2 and 1 more transcripts); c.1806T>C, p.Pro602= (NM_001322006.2); c.1644T>C, p.Pro548= (NM_001322007.2, NM_001322008.2); c.1401T>C, p.Pro467= (NM_001322010.2); c.1029T>C, p.Pro343= (NM_001322011.2, NM_001322012.2); c.1389T>C, p.Pro463= (NM_001322013.2); c.1962T>C, p.Pro654= (NM_001322014.2); c.1653T>C, p.Pro551= (NM_001322015.2).
Identifiers: ClinVar variation 926496 (VCV000926496.14), dbSNP rs1782925759, ClinGen allele CA453745711.
Genomic context (GRCh38, chr7:5,986,803, plus strand): 5'-AAAATTAAAACTTTACCTTATCTCTTTTCTTAGTTCATCTTCGGCTGCTTGATTTTCTCC[A>G]GGACAAATCTTTGCCCTAAACTTCCTGTAATTCTGTTCCCCTTCACTTTGCTGTGCTTCA-3'
Protein context (NP_000526.2, residues 644-664): NYRKFRAKIC[Pro654=]GENQAAEDEL